The following is an entry in ClinVar:

NM_001044385.3(TMEM237):c.131C>T (p.Thr44Ile)

Gene: TMEM237 (transmembrane protein 237; minus strand). Cytogenetic location: 2q33.1.
Variant type: single nucleotide variant.
Coding change: c.131C>T on transcript NM_001044385.3 (MANE Select); coding-DNA position 131, C replaced by T.
Protein change: p.Thr44Ile; replaces threonine 44 with isoleucine.
Molecular consequence: missense variant.
Genome position (GRCh38, 1-based): chr2:201,638,994, G>A on the plus strand (C>T on the coding strand, the complement: TMEM237 is on the minus strand). VCF-style: chr2-201638994-G-A. GRCh37 (hg19) VCF-style: chr2-202503717-G-A.
Other names: c.107C>T, p.Thr36Ile (NM_152388.4); short protein forms T36I, T44I.
Identifiers: ClinVar variation 2113089 (VCV002113089.4), dbSNP rs1297284388, ClinGen allele CA350316086.

ClinVar aggregate classification (germline): Uncertain significance (1 of 4 stars; one submission).

Conditions:
Joubert syndrome 14 (JBTS14). Identifiers: MedGen C3280766, MONDO:0013745, OMIM 614424.

gnomAD v4.1: 6 of 1,582,460 alleles (0.00038%); highest among the groups gnomAD compares: Non-Finnish European, 0.00052%; no homozygotes.

Submission:

Labcorp Genetics (formerly Invitae), Labcorp
Classification: Uncertain significance for Joubert syndrome 14. Last evaluated: 2022-03-16. Review status: criteria provided, single submitter. Criteria: Invitae Variant Classification Sherloc (09022015). Collection method: clinical testing. Allele origin: germline.
Comment: This sequence change replaces threonine, which is neutral and polar, with isoleucine, which is neutral and non-polar, at codon 44 of the TMEM237 protein (p.Thr44Ile). This variant is not present in population databases (gnomAD no frequency). This variant has not been reported in the literature in individuals affected with TMEM237-related conditions. Algorithms developed to predict the effect of missense changes on protein structure and function (SIFT, PolyPhen-2, Align-GVGD) all suggest that this variant is likely to be tolerated. In summary, the available evidence is currently insufficient to determine the role of this variant in disease. Therefore, it has been classified as a Variant of Uncertain Significance.